The following is an entry in ClinVar:

NM_000435.3(NOTCH3):c.268C>T (p.Arg90Cys)

Gene: NOTCH3 (notch receptor 3; minus strand). Cytogenetic location: 19p13.12.
Variant type: single nucleotide variant.
Coding change: c.268C>T on transcript NM_000435.3 (MANE Select); coding-DNA position 268, C replaced by T.
Protein change: p.Arg90Cys; replaces arginine 90 with cysteine.
Molecular consequence: missense variant.
Genome position (GRCh38, 1-based): chr19:15,192,449, G>A on the plus strand (C>T on the coding strand, the complement: NOTCH3 is on the minus strand). VCF-style: chr19-15192449-G-A. GRCh37 (hg19) VCF-style: chr19-15303260-G-A.
Other names: short protein forms R90C.
Identifiers: ClinVar variation 447816 (VCV000447816.62), dbSNP rs1555729604, ClinGen allele CA404534999.

ClinVar aggregate classification (germline): Pathogenic. Review status: criteria provided, multiple submitters, no conflicts (2 of 4 stars). 12 submissions from 12 submitters: Pathogenic (12). Last evaluated 2026-03-23.

Conditions:
Cerebral arteriopathy, autosomal dominant, with subcortical infarcts and leukoencephalopathy, type 1 (CADASIL1). Also called: Cerebral arteriopathy with subcortical infarcts and leukoencephalopathy 1; DEMENTIA, HEREDITARY MULTIINFARCT TYPE; CADASIL 1; CASIL. Identifiers: Orphanet 136, MedGen C4551768, MONDO:0000914, OMIM 125310.

gnomAD v4.1: 1 of 1,612,442 alleles (0.000062%); no homozygotes.

Submissions (12):

Genetics Laboratory, Great Ormond Street Hospital NHS Foundation Trust, North Thames Genomic Laboratory Hub
Classification: Pathogenic for CADASIL. Last evaluated: 2026-03-23. Review status: criteria provided, single submitter. Criteria: ACGS Best Practice Guidelines for Variant Classification in Rare Disease 2024 v1.2. Collection method: clinical testing. Allele origin: germline. Affected: yes.
Comment: PS4_moderate, PM2_moderate, PP3_supporting, PS3_supporting, PM1_moderate, PP1_strong, PP4_supporting

Labcorp Genetics (formerly Invitae), Labcorp
Classification: Pathogenic. Last evaluated: 2025-11-09. Review status: criteria provided, single submitter. Criteria: Invitae Variant Classification Sherloc (09022015). Collection method: clinical testing. Allele origin: germline.
Comment: This sequence change replaces arginine, which is basic and polar, with cysteine, which is neutral and slightly polar, at codon 90 of the NOTCH3 protein (p.Arg90Cys). This variant is not present in population databases (gnomAD no frequency). This missense change has been observed in individuals with autosomal dominant cerebral arteriopathy with subcortical infarcts and leukoencephalopathy 1 (PMID: 9388399, 11784372, 23064698, 31813735). It has also been observed to segregate with disease in related individuals. ClinVar contains an entry for this variant (Variation ID: 447816). Invitae Evidence Modeling of protein sequence and biophysical properties (such as structural, functional, and spatial information, amino acid conservation, physicochemical variation, residue mobility, and thermodynamic stability) indicates that this missense variant is expected to disrupt NOTCH3 protein function with a positive predictive value of 95%. Experimental studies have shown that this missense change affects NOTCH3 function (PMID: 14714274, 21387384, 23028706, 28601945). For these reasons, this variant has been classified as Pathogenic.

NHS Central & South Genomic Laboratory Hub
Classification: Pathogenic for CADASIL. Last evaluated: 2025-10-21. Review status: criteria provided, single submitter. Criteria: ACMG Guidelines, 2015. Collection method: clinical testing. Allele origin: germline. Affected: yes.

Cambridge Genomics Laboratory, East Genomic Laboratory Hub, NHS Genomic Medicine Service
Classification: Pathogenic for CADASIL. Last evaluated: 2025-05-01. Review status: criteria provided, single submitter. Criteria: ACGS Best Practice Guidelines for Variant Classification in Rare Disease 2020. Collection method: clinical testing. Allele origin: germline. Affected: yes.
Comment: PS4_Moderate,PM1,PM2,PP1_Strong,PP2,PP3,PP4

Mayo Clinic Laboratories, Mayo Clinic
Classification: Pathogenic. Last evaluated: 2025-03-19. Review status: criteria provided, single submitter. Criteria: ACMG Guidelines, 2015. Collection method: clinical testing. Allele origin: germline. Observed: 5 variant alleles.
Comment: PP1_strong, PP3, PP4, PM1, PM2_supporting, PS4

Women's Health and Genetics/Laboratory Corporation of America, LabCorp
Classification: Pathogenic for Cerebral arteriopathy, autosomal dominant, with subcortical infarcts and leukoencephalopathy, type 1. Last evaluated: 2024-12-26. Review status: criteria provided, single submitter. Criteria: LabCorp Variant Classification Summary - May 2015. Collection method: clinical testing. Allele origin: germline.
Comment: Variant summary: NOTCH3 c.268C>T (p.Arg90Cys) results in a non-conservative amino acid change in the encoded protein sequence. Five of five in-silico tools predict a damaging effect of the variant on protein function. The variant was absent in 246118 control chromosomes. c.268C>T has been reported in the literature in multiple individuals affected with Cerebral arteriopathy, autosomal dominant, with subcortical infarcts and leukoencephalopathy, type 1 (e.g. Peters_2005, Joutel_1997). These data indicate that the variant is very likely to be associated with disease. Multiple publications report experimental evidence evaluating an impact on protein function. The most pronounced variant effect results in reduced cell viability and aberrant NOTCH3 proteolytic processing in oligodentrocytes, as well as increased susceptibility to cortical spreading depression in mice (e.g. Eikermann-Haerter_2011, Tang_2017). The following publications have been ascertained in the context of this evaluation (PMID: 21387384, 9388399, 16009764, 28601945). ClinVar contains an entry for this variant (Variation ID: 447816). Based on the evidence outlined above, the variant was classified as pathogenic.

Genomic Medicine Center of Excellence, King Faisal Specialist Hospital and Research Centre
Classification: Pathogenic for Cerebral arteriopathy, autosomal dominant, with subcortical infarcts and leukoencephalopathy, type 1. Last evaluated: 2024-12-19. Review status: criteria provided, single submitter. Criteria: ACMG Guidelines, 2015. Collection method: clinical testing. Allele origin: germline.

ARUP Laboratories, Molecular Genetics and Genomics, ARUP Laboratories
Classification: Pathogenic. Last evaluated: 2024-08-26. Review status: criteria provided, single submitter. Criteria: ARUP Molecular Germline Variant Investigation Process 2024. Collection method: clinical testing. Allele origin: germline.
Comment: The NOTCH3 c.268C>T; p.Arg90Cys variant (rs1555729604; ClinVar ID: 447816) is reported in numerous individuals and families affected with CADASIL and exhibits co-segregation with disease in several published kindreds (Gallardo 2020, Joutel 1997, Lackovic 2012, Lian 2013, Utku 2002). This variant is absent from the Genome Aggregation Database (v2.1.1), indicating it is not a common polymorphism. Computational analyses predict that this variant is deleterious (REVEL: 0.751). Functional studies of the variant protein demonstrate reduced cell viability and aberrant NOTCH3 proteolytic processing in oligodendrocytes, and enhanced cortical susceptibility to spreading depression in mice (Eikermann-Haerter 2011, Tang 2017). Most pathogenic NOTCH3 variants occur in exons 2-24 and either create or destroy a cysteine residue within an EGF-like domain (Rutten 2014), and thus the p.Arg90Cys variant is consistent with the predominant mechanism of disease in NOTCH3. Based on available information, this variant is considered pathogenic. References: Eikermann-Haerter K et al. Cerebral autosomal dominant arteriopathy with subcortical infarcts and leukoencephalopathy syndrome mutations increase susceptibility to spreading depression. Ann Neurol. 2011 Feb;69(2):413-8. PMID: 21387384. Gallardo A et al. NOTCH3 Gene Mutation in a Chilean Cerebral Autosomal Dominant Arteriopathy with Subcortical Infarcts and Leukoencephalopathy Family. J Stroke Cerebrovasc Dis. 2020 Feb;29(2):104530. PMID: 31813735. Joutel A et al. Strong clustering and stereotyped nature of Notch3 mutations in CADASIL patients. Lancet. 1997 Nov 22;350(9090):1511-5. PMID: 9388399. Lackovic V et al. Skin and sural nerve biopsies: ultrastructural findings in the first genetically confirmed cases of CADASIL in Serbia. Ultrastruct Pathol. 2012 Oct;36(5):325-35. PMID: 23025651. Lian L et al. Spontaneous intracerebral hemorrhage in CADASIL. J Headache Pain. 2013 Dec 17;14:98. PMID: 24344756. Rutten JW et al. Interpretation of NOTCH3 mutations in the diagnosis of CADASIL. Expert Rev Mol Diagn. 2014 Jun;14(5):593-603. PMID: 24844136. Tang M et al. CADASIL mutant NOTCH3(R90C) decreases the viability of HS683 oligodendrocytes via apoptosis. Mol Biol Rep. 2017 Jul;44(3):273-280. PMID: 28601945.

Athena Diagnostics
Classification: Pathogenic. Last evaluated: 2023-02-02. Review status: criteria provided, single submitter. Criteria: Athena Diagnostics Criteria. Collection method: clinical testing. Allele origin: unknown.
Comment: This variant has been identified in multiple unrelated individuals with clinical features associated with CADASIL. This variant was not reported in large, multi-ethnic, general populations. This variant alters a critical location within the protein, and is expected to severely affect function and cause disease. Greater than 90% of NOTCH3 pathogenic variants associated with CADASIL involve the gain or loss of a cysteine residue within the epidermal growth factor (EGF)-like repeat domain (PMID: 32457593, 20301673).

CeGaT Center for Human Genetics Tuebingen
Classification: Pathogenic. Last evaluated: 2021-09-01. Review status: criteria provided, single submitter. Criteria: CeGaT Center For Human Genetics Tuebingen Variant Classification Criteria Version 2. Collection method: clinical testing. Allele origin: germline. Affected: yes. Observed: 1 variant allele.

Molecular Diagnostics Laboratory, M Health Fairview: University of Minnesota
Classification: Pathogenic for Cerebral arteriopathy, autosomal dominant, with subcortical infarcts and leukoencephalopathy, type 1. Last evaluated: 2016-09-07. Review status: criteria provided, single submitter. Criteria: ACMG Guidelines, 2015. Collection method: clinical testing. Allele origin: germline. Affected: yes. Observed: 1 variant allele.

Juno Genomics, Hangzhou Juno Genomics, Inc
Classification: Pathogenic for Cerebral arteriopathy, autosomal dominant, with subcortical infarcts and leukoencephalopathy, type 1. Review status: criteria provided, single submitter. Criteria: ACMG Guidelines, 2015. Collection method: clinical testing. Allele origin: germline. Affected: yes.
Comment: Absent from controls (or at extremely low frequency if recessive) in Genome Aggregation Database, Exome Sequencing Project, 1000 Genomes Project, or Exome Aggregation Consortium.;Well-established in vitro or in vivo functional studies supportive of a damaging effect on the gene or gene product.;The prevalence of the variant in affected individuals is significantly increased compared to the prevalence in controls.;Co-segregation with disease in multiple affected family members in a gene definitively known to cause the disease.

Literature cited by the submitters: PubMed 9388399 (cited by 4 submitters); PubMed 11784372 (cited by 3 submitters); PubMed 23064698 (cited by Labcorp Genetics (formerly Invitae), Labcorp); PubMed 31813735 (cited by 3 submitters); PubMed 14714274 (cited by Labcorp Genetics (formerly Invitae), Labcorp and Athena Diagnostics); PubMed 21387384 (cited by 4 submitters); PubMed 23028706 (cited by Labcorp Genetics (formerly Invitae), Labcorp); PubMed 28601945 (cited by 4 submitters); PubMed 12810003 (cited by Mayo Clinic Laboratories, Mayo Clinic and Athena Diagnostics); PubMed 23025651 (cited by Mayo Clinic Laboratories, Mayo Clinic and Athena Diagnostics); PubMed 32277177 (cited by Mayo Clinic Laboratories, Mayo Clinic and Athena Diagnostics); PubMed 34335700 (cited by Mayo Clinic Laboratories, Mayo Clinic and Athena Diagnostics); PubMed 35202003 (cited by Mayo Clinic Laboratories, Mayo Clinic); PubMed 35822697 (cited by Mayo Clinic Laboratories, Mayo Clinic); PubMed 36047879 (cited by Mayo Clinic Laboratories, Mayo Clinic); PubMed 36380532 (cited by Mayo Clinic Laboratories, Mayo Clinic); PubMed 16009764 (cited by Women's Health and Genetics/Laboratory Corporation of America, LabCorp); PubMed 24344756 (cited by Athena Diagnostics); PubMed 10854111 (cited by Athena Diagnostics); PubMed 31212292 (cited by Athena Diagnostics); PubMed 23649698 (cited by Molecular Diagnostics Laboratory, M Health Fairview: University of Minnesota).